The following is an entry in ClinVar:

ClinVar aggregate classification (germline): Benign (1 of 4 stars; one submission).

Submission:

CeGaT Center for Human Genetics Tuebingen
Classification: Benign. Last evaluated: 2022-10-01. Review status: criteria provided, single submitter. Criteria: CeGaT Center For Human Genetics Tuebingen Variant Classification Criteria Version 2. Collection method: clinical testing. Allele origin: germline. Affected: yes. Observed: 1 variant allele.
Comment: SCN1A: BS1, BS2

NM_001165963.4(SCN1A):c.*1872del

Genes: SCN1A (sodium voltage-gated channel alpha subunit 1; minus strand), LOC102724058 (uncharacterized LOC102724058; plus strand). Cytogenetic location: 2q24.3.
Variant type: Deletion.
Coding change: c.*1872del on transcript NM_001165963.4 (MANE Select); 1872 bases downstream of the stop codon, one base deleted (T; older notation c.*1872delT).
Molecular consequence: 3 prime UTR variant. On other transcripts: non-coding transcript variant (1).
Genome position (GRCh38, 1-based): chr2:165,989,373, A deleted on the plus strand (T on the coding strand, the reverse complement: SCN1A is on the minus strand); the first of 9 consecutive A bases (chr2:165,989,373-165,989,381); deleting any one gives the same sequence. VCF-style (leftmost placement, unchanged base first): chr2-165989372-GA-G. GRCh37 (hg19) VCF-style: chr2-166845882-GA-G.
Other names: c.*1872del (NM_001165964.3, NM_001202435.3, NM_001353948.2 and 11 more transcripts).
Identifiers: ClinVar variation 331859 (VCV000331859.29), dbSNP rs878898132, ClinGen allele CA10611186.
Genomic context (GRCh38, chr2:165,989,372, plus strand): 5'-TAAGAAACACAAAATGTCCTGATGTAATTGACTATATAAGTTGACTACTCTGTTTTTGTG[GA>G]AAAAAAAATTATGAAGCCCACATTCTATTTAGAACAATCTAGAGCAGCATTACTCCAAAG-3'